The following is an entry in ClinVar:

ClinVar aggregate classification (germline): Uncertain significance. Review status: criteria provided, multiple submitters, no conflicts (2 of 4 stars). 2 submissions from 2 submitters: Uncertain significance (2). Last evaluated 2024-08-31.

Conditions:
Cardiovascular phenotype. Identifiers: MedGen CN230736.
Atrioventricular septal defect 4 (AVSD4). Identifiers: MedGen C3280781, MONDO:0013747, OMIM 614430.

gnomAD v4.1: 1 of 1,614,080 alleles (0.000062%); no homozygotes.

Submissions (2):

Ambry Genetics
Classification: Uncertain significance for Cardiovascular phenotype. Last evaluated: 2024-08-31. Review status: criteria provided, single submitter. Criteria: Ambry Variant Classification Scheme 2023. Collection method: clinical testing. Allele origin: germline.
Comment: The p.R252Q variant (also known as c.755G>A), located in coding exon 2 of the GATA4 gene, results from a G to A substitution at nucleotide position 755. The arginine at codon 252 is replaced by glutamine, an amino acid with highly similar properties. This amino acid position is conserved. In addition, this alteration is predicted to be deleterious by in silico analysis. Based on the available evidence, the clinical significance of this variant remains unclear.

Labcorp Genetics (formerly Invitae), Labcorp
Classification: Uncertain significance for Atrioventricular septal defect 4. Last evaluated: 2024-04-30. Review status: criteria provided, single submitter. Criteria: Invitae Variant Classification Sherloc (09022015). Collection method: clinical testing. Allele origin: germline.
Comment: This sequence change replaces arginine, which is basic and polar, with glutamine, which is neutral and polar, at codon 252 of the GATA4 protein (p.Arg252Gln). This variant is present in population databases (no rsID available, gnomAD 0.01%). This variant has not been reported in the literature in individuals affected with GATA4-related conditions. Advanced modeling of protein sequence and biophysical properties (such as structural, functional, and spatial information, amino acid conservation, physicochemical variation, residue mobility, and thermodynamic stability) performed at Invitae indicates that this missense variant is expected to disrupt GATA4 protein function with a positive predictive value of 80%. In summary, the available evidence is currently insufficient to determine the role of this variant in disease. Therefore, it has been classified as a Variant of Uncertain Significance.

NM_001308093.3(GATA4):c.758G>A (p.Arg253Gln)

Gene: GATA4 (GATA binding protein 4). Cytogenetic location: 8p23.1.
Variant type: single nucleotide variant.
Coding change: c.758G>A on transcript NM_001308093.3 (MANE Select); coding-DNA position 758, G replaced by A.
Protein change: p.Arg253Gln; replaces arginine 253 with glutamine.
Molecular consequence: missense variant.
Genome position (GRCh38, 1-based): chr8:11,749,057, G>A. VCF-style: chr8-11749057-G-A. GRCh37 (hg19) VCF-style: chr8-11606566-G-A.
Other names: c.137G>A, p.Arg46Gln (NM_001308094.2, NM_001374273.1, NM_001374274.1); c.755G>A, p.Arg252Gln (NM_002052.5); short protein forms R253Q, R252Q, R46Q.
Identifiers: ClinVar variation 3519019 (VCV003519019.3).
Genomic context (GRCh38, chr8:11,749,057, plus strand): 5'-GGACGGGTCACTATCTGTGCAACGCCTGCGGCCTCTACCACAAGATGAACGGCATCAACC[G>A]GCCGCTCATCAAGCCTCAGCGCCGGCTGGTAAGCACGTGCCTCGCAGCCTCCTCTGGGCA-3'
Protein context (NP_001295022.1, residues 243-263): GLYHKMNGIN[Arg253Gln]PLIKPQRRLS